The following is an entry in ClinVar:

ClinVar aggregate classification (germline): Likely benign (1 of 4 stars; one submission).

Allele frequency attached by ClinVar (database versions not stated): ExAC 0.00012; 1000 Genomes Project 0.00160; gnomAD exomes 0.00176; 1000 Genomes Project 30x 0.00187; gnomAD 0.00214.
gnomAD v4.1: 2,911 of 1,607,740 alleles (0.18%); highest among the groups gnomAD compares: Admixed American, 0.41%; 128 homozygotes.

Submission:

CeGaT Center for Human Genetics Tuebingen
Classification: Likely benign. Last evaluated: 2026-01-01. Review status: criteria provided, single submitter. Criteria: CeGaT Center For Human Genetics Tuebingen Variant Classification Criteria Version 2. Collection method: clinical testing. Allele origin: germline. Affected: yes. Observed: 3 variant alleles.
Comment: MRGPRX1: BP4, BS2

NM_001393578.1(MRGPRX1):c.578G>T (p.Gly193Val)

Gene: MRGPRX1 (MAS related GPR family member X1; minus strand). Cytogenetic location: 11p15.1.
Variant type: single nucleotide variant.
Coding change: c.578G>T on transcript NM_001393578.1 (MANE Select); coding-DNA position 578, G replaced by T.
Protein change: p.Gly193Val; replaces glycine 193 with valine.
Molecular consequence: missense variant.
Genome position (GRCh38, 1-based): chr11:18,934,207, C>A on the plus strand (G>T on the coding strand, the complement: MRGPRX1 is on the minus strand). VCF-style: chr11-18934207-C-A. GRCh37 (hg19) VCF-style: chr11-18955754-C-A.
Other names: c.578G>T, p.Gly193Val (NM_147199.4); short protein forms G193V.
Identifiers: ClinVar variation 2641674 (VCV002641674.24), dbSNP rs140922847, ClinGen allele CA5915474.